The following is an entry in ClinVar:

NM_005664.4(MKRN3):c.1212G>A (p.Ala404=)

Gene: MKRN3 (makorin ring finger protein 3; plus strand). Cytogenetic location: 15q11.2.
Variant type: single nucleotide variant.
Coding change: c.1212G>A on transcript NM_005664.4 (MANE Select); coding-DNA position 1212, G replaced by A.
Protein change: p.Ala404=; no amino-acid change (alanine 404 retained).
Molecular consequence: synonymous variant.
Genome position (GRCh38, 1-based): chr15:23,566,994, G>A. VCF-style: chr15-23566994-G-A. GRCh37 (hg19) VCF-style: chr15-23812141-G-A.
Identifiers: ClinVar variation 4084424 (VCV004084424.8).
Genomic context (GRCh38, chr15:23,566,994, plus strand): 5'-GCAGAAACTTATTCAGCAATACAAGGAGGCAATGAGCAACAAGGCCTGCAGGTATTTTGC[G>A]GAAGGCAGGGGTAACTGCCCATTTGGAGACACATGCTTTTACAAGCATGAATACCCTGAG-3'
Protein context (NP_005655.1, residues 394-414): AMSNKACRYF[Ala404=]EGRGNCPFGD

ClinVar aggregate classification (germline): Likely benign (1 of 4 stars; one submission).

gnomAD v4.1: 164 of 1,614,216 alleles (0.01%); highest among the groups gnomAD compares: Middle Eastern, 0.016%; no homozygotes.

Submission:

CeGaT Center for Human Genetics Tuebingen
Classification: Likely benign. Last evaluated: 2025-08-01. Review status: criteria provided, single submitter. Criteria: CeGaT Center For Human Genetics Tuebingen Variant Classification Criteria Version 2. Collection method: clinical testing. Allele origin: germline. Affected: yes. Observed: 1 variant allele.
Comment: MKRN3: BP4, BP7